The following is an entry in ClinVar:

ClinVar aggregate classification (germline): Uncertain significance (1 of 4 stars; one submission).

Conditions:
SAMD9L-related disorder. Also called: SAMD9L-related disorders; SAMD9L-related condition.

Submission:

PreventionGenetics, part of Exact Sciences
Classification: Uncertain significance for SAMD9L-related condition. Last evaluated: 2025-08-28. Review status: criteria provided, single submitter. Criteria: ACMG Guidelines, 2015. Collection method: clinical testing. Allele origin: germline.
Comment: The SAMD9L c.1225delC variant is predicted to result in a frameshift and premature protein termination (p.Leu409Trpfs*12). To our knowledge, this variant has not been reported in the literature or in a large population database (gnomAD), indicating this variant is rare. Premature termination variants have not been conclusively shown to cause SAMD9L-related disease. At this time, the clinical significance of this variant is uncertain due to the absence of conclusive functional and genetic evidence.

NM_152703.5(SAMD9L):c.1225del (p.Leu409fs)

Gene: SAMD9L (sterile alpha motif domain containing 9 like; minus strand). Cytogenetic location: 7q21.2.
Variant type: Deletion.
Coding change: c.1225del on transcript NM_152703.5 (MANE Select); coding-DNA position 1225, one base deleted (C; older notation c.1225delC).
Protein change: p.Leu409fs; shifts the reading frame from leucine 409.
Molecular consequence: frameshift variant.
Genome position (GRCh38, 1-based): chr7:93,134,747, G deleted on the plus strand (C on the coding strand, the reverse complement: SAMD9L is on the minus strand). VCF-style (leftmost placement, unchanged base first): chr7-93134746-AG-A. GRCh37 (hg19) VCF-style: chr7-92764059-AG-A.
Other names: c.1225del, p.Leu409fs (NM_001303496.3, NM_001303497.3, NM_001303498.3 and 5 more transcripts); short protein forms L409fs.
Identifiers: ClinVar variation 4992761 (VCV004992761.1).